The following is an entry in ClinVar:

NC_000016.9:g.(?_9857006)_(10274268_?)del

Gene: GRIN2A (glutamate ionotropic receptor NMDA type subunit 2A; minus strand). Cytogenetic location: 16p13.2.
Variant type: Deletion.
Identifiers: ClinVar variation 1459968 (VCV001459968.9).

ClinVar aggregate classification (germline): Pathogenic (1 of 4 stars; one submission).

Conditions:
Landau-Kleffner syndrome (FESD). Also called: EPILEPSY, FOCAL, WITH SPEECH DISORDER AND WITH OR WITHOUT MENTAL RETARDATION; APHASIA, ACQUIRED, WITH EPILEPSY. Identifiers: Orphanet 1945, Orphanet 725, Orphanet 98818, MedGen C0282512, MONDO:0009509, OMIM 245570.

Submission:

Labcorp Genetics (formerly Invitae), Labcorp
Classification: Pathogenic for Landau-Kleffner syndrome. Last evaluated: 2022-06-12. Review status: criteria provided, single submitter. Criteria: Invitae Variant Classification Sherloc (09022015). Collection method: clinical testing. Allele origin: germline.
Comment: A gross deletion of the genomic region encompassing the full coding sequence of the GRIN2A gene has been identified. Loss-of-function variants in GRIN2A are known to be pathogenic (PMID: 23933819, 23933820). The boundaries of this event are unknown as they extend beyond the assayed region for this gene and therefore may encompass additional genes. Isolated whole-gene deletions of GRIN2A have not been reported in the literature. However, larger copy number events that include this gene have been reported (PMID: 20384727). For these reasons, this variant has been classified as Pathogenic.

Literature cited by the submitters: PubMed 23933819; PubMed 23933820; PubMed 20384727.